The following is an entry in ClinVar:

NM_001127222.2(CACNA1A):c.6505C>G (p.Arg2169Gly)

Gene: CACNA1A (calcium voltage-gated channel subunit alpha1 A; minus strand). Cytogenetic location: 19p13.13.
Variant type: single nucleotide variant.
Coding change: c.6505C>G on transcript NM_001127222.2 (MANE Select); coding-DNA position 6505, C replaced by G.
Protein change: p.Arg2169Gly; replaces arginine 2169 with glycine.
Molecular consequence: missense variant.
Genome position (GRCh38, 1-based): chr19:13,209,333, G>C on the plus strand (C>G on the coding strand, the complement: CACNA1A is on the minus strand). VCF-style: chr19-13209333-G-C. GRCh37 (hg19) VCF-style: chr19-13320147-G-C.
Other names: c.6523C>G, p.Arg2175Gly (NM_000068.4, NM_023035.3); c.6508C>G, p.Arg2170Gly (NM_001127221.2); c.6514C>G, p.Arg2172Gly (NM_001174080.2); short protein forms R2169G, R2170G, R2172G, R2175G.
Identifiers: ClinVar variation 999617 (VCV000999617.7), dbSNP rs375354077, ClinGen allele CA404330757.

ClinVar aggregate classification (germline): Uncertain significance (1 of 4 stars; one submission).

Conditions:
Developmental and epileptic encephalopathy, 42 (DEE42A). Also called: Epileptic encephalopathy, early infantile, 42; DEVELOPMENTAL AND EPILEPTIC ENCEPHALOPATHY 42A; EPILEPTIC ENCEPHALOPATHY, EARLY INFANTILE, 42A. Identifiers: MedGen C4310716, MONDO:0014917, OMIM 617106.
Episodic ataxia type 2 (EA2). Also called: ACETAZOLAMIDE-RESPONSIVE HEREDITARY PAROXYSMAL CEREBELLAR ATAXIA; ATAXIA, EPISODIC, WITH NYSTAGMUS; ATAXIA, FAMILIAL PAROXYSMAL; CEREBELLAR ATAXIA, PAROXYSMAL, ACETAZOLAMIDE-RESPONSIVE; CEREBELLOPATHY, HEREDITARY PAROXYSMAL; EPISODIC ATAXIA, NYSTAGMUS-ASSOCIATED. Identifiers: Orphanet 97, MedGen C1720416, MONDO:0007163, OMIM 108500.

gnomAD v4.1: 4 of 1,393,220 alleles (0.00029%); no homozygotes.

Submission:

Labcorp Genetics (formerly Invitae), Labcorp
Classification: Uncertain significance for Developmental and epileptic encephalopathy, 42; Episodic ataxia type 2. Last evaluated: 2024-02-24. Review status: criteria provided, single submitter. Criteria: Invitae Variant Classification Sherloc (09022015). Collection method: clinical testing. Allele origin: germline.
Comment: This sequence change replaces arginine, which is basic and polar, with glycine, which is neutral and non-polar, at codon 2170 of the CACNA1A protein (p.Arg2170Gly). This variant is not present in population databases (gnomAD no frequency). This variant has not been reported in the literature in individuals affected with CACNA1A-related conditions. ClinVar contains an entry for this variant (Variation ID: 999617). Advanced modeling of protein sequence and biophysical properties (such as structural, functional, and spatial information, amino acid conservation, physicochemical variation, residue mobility, and thermodynamic stability) performed at Invitae indicates that this missense variant is not expected to disrupt CACNA1A protein function with a negative predictive value of 95%. In summary, the available evidence is currently insufficient to determine the role of this variant in disease. Therefore, it has been classified as a Variant of Uncertain Significance.